The following is an entry in ClinVar:

ClinVar aggregate classification (germline): Uncertain significance (1 of 4 stars; one submission).

Conditions:
Congenital myasthenic syndrome 5. Identifiers: Orphanet 590, MedGen C1864233, MONDO:0011281, OMIM 603034.

Allele frequency attached by ClinVar (database versions not stated): ExAC 0.00001; TOPMed 0.00001; gnomAD exomes 0.00002.
gnomAD v4.1: 30 of 1,614,002 alleles (0.0019%); highest among the groups gnomAD compares: Admixed American, 0.005%; no homozygotes.

Submission:

Labcorp Genetics (formerly Invitae), Labcorp
Classification: Uncertain significance for Congenital myasthenic syndrome 5. Last evaluated: 2022-08-09. Review status: criteria provided, single submitter. Criteria: Invitae Variant Classification Sherloc (09022015). Collection method: clinical testing. Allele origin: germline.
Comment: This sequence change affects codon 185 of the COLQ mRNA. It is a 'silent' change, meaning that it does not change the encoded amino acid sequence of the COLQ protein. This variant also falls at the last nucleotide of exon 8, which is part of the consensus splice site for this exon. This variant is present in population databases (rs750472473, gnomAD 0.009%). This variant has not been reported in the literature in individuals affected with COLQ-related conditions. ClinVar contains an entry for this variant (Variation ID: 581332). Variants that disrupt the consensus splice site are a relatively common cause of aberrant splicing (PMID: 17576681, 9536098). Algorithms developed to predict the effect of sequence changes on RNA splicing suggest that this variant may disrupt the consensus splice site. In summary, the available evidence is currently insufficient to determine the role of this variant in disease. Therefore, it has been classified as a Variant of Uncertain Significance.

Literature cited by the submitters: PubMed 17576681; PubMed 9536098.

NM_005677.4(COLQ):c.555G>A (p.Lys185=)

Gene: COLQ (collagen like tail subunit of asymmetric acetylcholinesterase; minus strand). Cytogenetic location: 3p25.1.
Variant type: single nucleotide variant.
Coding change: c.555G>A on transcript NM_005677.4 (MANE Select); coding-DNA position 555, G replaced by A.
Protein change: p.Lys185=; no amino-acid change (lysine 185 retained).
Molecular consequence: synonymous variant.
Genome position (GRCh38, 1-based): chr3:15,474,925, C>T on the plus strand (G>A on the coding strand, the complement: COLQ is on the minus strand). VCF-style: chr3-15474925-C-T. GRCh37 (hg19) VCF-style: chr3-15516432-C-T.
Other names: c.525G>A, p.Lys175= (NM_080538.2); c.453G>A, p.Lys151= (NM_080539.4).
Identifiers: ClinVar variation 581332 (VCV000581332.4), dbSNP rs750472473, ClinGen allele CA2276109.